The following is an entry in ClinVar:

ClinVar aggregate classification (germline): Uncertain significance (1 of 4 stars; one submission).

Submission:

Labcorp Genetics (formerly Invitae), Labcorp
Classification: Uncertain significance. Last evaluated: 2023-08-02. Review status: criteria provided, single submitter. Criteria: Invitae Variant Classification Sherloc (09022015). Collection method: clinical testing. Allele origin: germline.
Comment: In summary, the available evidence is currently insufficient to determine the role of this variant in disease. Therefore, it has been classified as a Variant of Uncertain Significance. Advanced modeling of protein sequence and biophysical properties (such as structural, functional, and spatial information, amino acid conservation, physicochemical variation, residue mobility, and thermodynamic stability) performed at Invitae indicates that this missense variant is expected to disrupt CLTC protein function. This variant has not been reported in the literature in individuals affected with CLTC-related conditions. This variant is not present in population databases (gnomAD no frequency). This sequence change replaces histidine, which is basic and polar, with tyrosine, which is neutral and polar, at codon 133 of the CLTC protein (p.His133Tyr).

NM_004859.4(CLTC):c.385C>T (p.His129Tyr)

Gene: CLTC (clathrin heavy chain; plus strand). Cytogenetic location: 17q23.1.
Variant type: single nucleotide variant.
Coding change: c.385C>T on transcript NM_004859.4 (MANE Select); coding-DNA position 385, C replaced by T.
Protein change: p.His129Tyr; replaces histidine 129 with tyrosine.
Molecular consequence: missense variant.
Genome position (GRCh38, 1-based): chr17:59,647,532, C>T. VCF-style: chr17-59647532-C-T. GRCh37 (hg19) VCF-style: chr17-57724893-C-T.
Other names: c.397C>T, p.His133Tyr (NM_001288653.2); short protein forms H133Y, H129Y.
Identifiers: ClinVar variation 2749571 (VCV002749571.3), dbSNP rs2509361421, ClinGen allele CA400419996.
Genomic context (GRCh38, chr17:59,647,532, plus strand): 5'-ACCTTTTGGAAATGGATCTCTTTGAATACGGTTGCTCTTGTTACGGATAATGCAGTTTAT[C>T]ACTGGAGTATGGAAGGAGAGTCTCAGCCAGTGAAAATGTTTGATCGCCATTCTAGCCTTG-3'
Protein context (NP_004850.1, residues 119-139): VALVTDNAVY[His129Tyr]WSMEGESQPV